The following is an entry in ClinVar:

ClinVar aggregate classification (germline): Benign/Likely benign. Review status: criteria provided, multiple submitters, no conflicts (2 of 4 stars). 4 submissions from 4 submitters: Benign (2); Likely benign (1). 1 of the submissions does not count toward it. Last evaluated 2025-09-27.

Conditions:
Inborn genetic diseases. Identifiers: MedGen C0950123, MeSH D030342.
SMARCA2-related disorder. Also called: SMARCA2-related condition.

Allele frequency attached by ClinVar (database versions not stated): ESP Exome Variant Server 0.00015.
gnomAD v4.1: 93 of 1,568,920 alleles (0.0059%); highest among the groups gnomAD compares: African/African-American, 0.12%; 1 homozygote.

Submissions (4):

Labcorp Genetics (formerly Invitae), Labcorp
Classification: Benign. Last evaluated: 2025-09-27. Review status: criteria provided, single submitter. Criteria: Invitae Variant Classification Sherloc (09022015). Collection method: clinical testing. Allele origin: germline.

GeneDx
Classification: Benign. Last evaluated: 2019-05-24. Review status: criteria provided, single submitter. Criteria: GeneDx Variant Classification Process June 2021. Collection method: clinical testing. Allele origin: germline. Affected: yes.

Ambry Genetics
Classification: Likely benign for Inborn genetic diseases. Last evaluated: 2018-01-24. Review status: criteria provided, single submitter. Criteria: Ambry Variant Classification Scheme 2023. Collection method: clinical testing. Allele origin: germline.

PreventionGenetics, part of Exact Sciences
Classification: Likely benign for SMARCA2-related condition. Last evaluated: 2024-06-22. Review status: no assertion criteria provided. Collection method: clinical testing. Allele origin: germline. Not counted in ClinVar's aggregate classification.
Comment: This variant is classified as likely benign based on ACMG/AMP sequence variant interpretation guidelines (Richards et al. 2015 PMID: 25741868, with internal and published modifications).

NM_003070.5(SMARCA2):c.51G>C (p.Pro17=)

Gene: SMARCA2 (SWI/SNF related BAF chromatin remodeling complex subunit ATPase 2; plus strand). Cytogenetic location: 9p24.3.
Variant type: single nucleotide variant.
Coding change: c.51G>C on transcript NM_003070.5 (MANE Select); coding-DNA position 51, G replaced by C.
Protein change: p.Pro17=; no amino-acid change (proline 17 retained).
Molecular consequence: synonymous variant.
Genome position (GRCh38, 1-based): chr9:2,029,073, G>C. VCF-style: chr9-2029073-G-C. GRCh37 (hg19) VCF-style: chr9-2029073-G-C.
Other names: c.51G>C (NM_003070.4); c.51G>C, p.Pro17= (NM_001289396.2, NM_001289397.2, NM_139045.4).
Identifiers: ClinVar variation 1245835 (VCV001245835.8), dbSNP rs148865068, ClinGen allele CA4962744.